The following is an entry in ClinVar:

NM_000051.4(ATM):c.4343T>A (p.Leu1448Ter)

Gene: ATM (ATM serine/threonine kinase; plus strand). Cytogenetic location: 11q22.3.
Variant type: single nucleotide variant.
Coding change: c.4343T>A on transcript NM_000051.4 (MANE Select); coding-DNA position 4343, T replaced by A.
Protein change: p.Leu1448Ter; replaces leucine 1448 with a stop codon.
Molecular consequence: nonsense.
Genome position (GRCh38, 1-based): chr11:108,289,708, T>A. VCF-style: chr11-108289708-T-A. GRCh37 (hg19) VCF-style: chr11-108160435-T-A.
Other names: c.4343T>A, p.Leu1448Ter (NM_001351834.2); short protein forms L1448*.
Identifiers: ClinVar variation 1454748 (VCV001454748.10), dbSNP rs1591663285, ClinGen allele CA382531965.
Genomic context (GRCh38, chr11:108,289,708, plus strand): 5'-AAACAAATAATGTTTATAAGAAGCACAGAATTCTTAAAATATATCACCTGTTTGTTAGTT[T>A]ATTACTGAAAGATATAAAAAGTGGCTTAGGAGGAGCTTGGGCCTTTGTTCTTCGAGACGT-3'

ClinVar aggregate classification (germline): Pathogenic. Review status: criteria provided, multiple submitters, no conflicts (2 of 4 stars). 4 submissions from 4 submitters: Pathogenic (4). Last evaluated 2024-07-23.

Conditions:
Hereditary cancer-predisposing syndrome. Also called: Hereditary Cancer Syndrome; Hereditary neoplastic syndrome; Tumor predisposition; Neoplastic Syndromes, Hereditary. Identifiers: Orphanet 140162, MedGen C0027672, MeSH D009386, MONDO:0015356.
Familial cancer of breast. Also called: hereditary breast carcinoma; BREAST CANCER, FAMILIAL; Hereditary breast cancer. Identifiers: Orphanet 227535, MedGen C0346153, MONDO:0016419, OMIM 114480. Disease mechanism: loss of function.
Familial colorectal cancer type X. Identifiers: Orphanet 440437, MedGen C3896578, MONDO:0018604.
Ataxia-telangiectasia syndrome (AT). Also called: Ataxia-telangiectasia, complementation group E; LOUIS-BAR SYNDROME; Ataxia-telangiectasia, complementation group D; AT, COMPLEMENTATION GROUP C; Ataxia-telangiectasia; Cerebello-oculocutaneous telangiectasia. Identifiers: Orphanet 100, MedGen C0004135, MONDO:0008840, OMIM 208900.

Submissions (4):

Myriad Genetics, Inc.
Classification: Pathogenic for Familial cancer of breast. Last evaluated: 2024-07-23. Review status: criteria provided, single submitter. Criteria: Myriad Autosomal Dominant, Autosomal Recessive and X-Linked Classification Criteria (2023). Collection method: clinical testing. Allele origin: unknown.
Comment: This variant is considered pathogenic. This variant creates a termination codon and is predicted to result in premature protein truncation.

Ambry Genetics
Classification: Pathogenic for Hereditary cancer-predisposing syndrome. Last evaluated: 2022-03-29. Review status: criteria provided, single submitter. Criteria: Ambry Variant Classification Scheme 2023. Collection method: clinical testing. Allele origin: germline.
Comment: The p.L1448* pathogenic mutation (also known as c.4343T>A), located in coding exon 28 of the ATM gene, results from a T to A substitution at nucleotide position 4343. This changes the amino acid from a leucine to a stop codon within coding exon 28. This variant is considered to be rare based on population cohorts in the Genome Aggregation Database (gnomAD). This alteration is expected to result in loss of function by premature protein truncation or nonsense-mediated mRNA decay. As such, this alteration is interpreted as a disease-causing mutation.

Labcorp Genetics (formerly Invitae), Labcorp
Classification: Pathogenic for Ataxia-telangiectasia syndrome. Last evaluated: 2021-10-11. Review status: criteria provided, single submitter. Criteria: Invitae Variant Classification Sherloc (09022015). Collection method: clinical testing. Allele origin: germline.
Comment: For these reasons, this variant has been classified as Pathogenic. This premature translational stop signal has been observed in individual(s) with breast cancer (PMID: 32658311). This variant is not present in population databases (ExAC no frequency). This sequence change creates a premature translational stop signal (p.Leu1448*) in the ATM gene. It is expected to result in an absent or disrupted protein product. Loss-of-function variants in ATM are known to be pathogenic (PMID: 23807571, 25614872).

Department of Pathology and Laboratory Medicine, Sinai Health System
Classification: Pathogenic for Familial colorectal cancer type X. Last evaluated: 2021-01-13. Review status: criteria provided, single submitter. Criteria: ACMG Guidelines, 2015. Collection method: clinical testing. Allele origin: germline. Affected: yes.

Literature cited by the submitters: PubMed 32658311 (cited by Labcorp Genetics (formerly Invitae), Labcorp); PubMed 23807571 (cited by Labcorp Genetics (formerly Invitae), Labcorp); PubMed 25614872 (cited by Labcorp Genetics (formerly Invitae), Labcorp).